The following is an entry in ClinVar:

ClinVar aggregate classification (germline): Uncertain significance (1 of 4 stars; one submission).

Conditions:
MYO5B-related disorder. Also called: MYO5B-related condition.

gnomAD v4.1: 2 of 1,593,442 alleles (0.00013%); highest among the groups gnomAD compares: Non-Finnish European, 0.00017%; no homozygotes.

Submission:

PreventionGenetics, part of Exact Sciences
Classification: Uncertain significance for MYO5B-related condition. Last evaluated: 2025-10-15. Review status: criteria provided, single submitter. Criteria: ACMG Guidelines, 2015. Collection method: clinical testing. Allele origin: germline.
Comment: The MYO5B c.1997C>A variant is predicted to result in the amino acid substitution p.Pro666His. To our knowledge, this variant has not been reported in the literature or in a large population database (gnomAD), indicating this variant is rare. At this time, the clinical significance of this variant is uncertain due to the absence of conclusive functional and genetic evidence.

NM_001080467.3(MYO5B):c.1997C>A (p.Pro666His)

Gene: MYO5B (myosin VB; minus strand). Cytogenetic location: 18q21.1.
Variant type: single nucleotide variant.
Coding change: c.1997C>A on transcript NM_001080467.3 (MANE Select); coding-DNA position 1997, C replaced by A.
Protein change: p.Pro666His; replaces proline 666 with histidine.
Molecular consequence: missense variant.
Genome position (GRCh38, 1-based): chr18:49,936,258, G>T on the plus strand (C>A on the coding strand, the complement: MYO5B is on the minus strand). VCF-style: chr18-49936258-G-T. GRCh37 (hg19) VCF-style: chr18-47462628-G-T.
Other names: short protein forms P666H.
Identifiers: ClinVar variation 4979586 (VCV004979586.1).